The following is an entry in ClinVar:

ClinVar aggregate classification (germline): Likely pathogenic. Review status: criteria provided, multiple submitters, no conflicts (2 of 4 stars). 2 submissions from 2 submitters: Likely pathogenic (2). Last evaluated 2026-01-16.

Conditions:
Cholestanol storage disease (CTX). Also called: CEREBRAL CHOLESTERINOSIS; Cerebrotendinous Xanthomatosis; CTX: Cerebrotendinous xanthomatosis. Identifiers: Orphanet 909, MedGen C0238052, MONDO:0008948, OMIM 213700.

Submissions (2):

Natera, Inc.
Classification: Likely pathogenic for Cerebrotendinous xanthomatosis. Last evaluated: 2026-01-16. Review status: criteria provided, single submitter. Criteria: Natera Variant Classification Schema (03/2026). Collection method: clinical testing. Allele origin: germline.
Comment: The c.1339del variant in CYP27A1 is a frameshift variant predicted to shift the reading frame beginning at codon 447 and leads to a stop codon 4 codons downstream. This variant is expected to result in nonsense mediated decay, truncation, or a dysfunctional protein product. This variant is rare in the general population with a frequency below the threshold expected for the associated phenotype(s). Given the available evidence, this variant is classified as Likely Pathogenic.

Fulgent Genetics
Classification: Likely pathogenic for Cholestanol storage disease. Last evaluated: 2024-02-02. Review status: criteria provided, single submitter. Criteria: ACMG Guidelines, 2015. Collection method: clinical testing. Allele origin: germline.

NM_000784.4(CYP27A1):c.1339del (p.His447fs)

Gene: CYP27A1 (cytochrome P450 family 27 subfamily A member 1; plus strand). Cytogenetic location: 2q35.
Variant type: Deletion.
Coding change: c.1339del on transcript NM_000784.4 (MANE Select); coding-DNA position 1339, one base deleted (C; older notation c.1339delC).
Protein change: p.His447fs; shifts the reading frame from histidine 447.
Molecular consequence: frameshift variant.
Genome position (GRCh38, 1-based): chr2:218,814,620, C deleted; the last of 4 consecutive C bases (chr2:218,814,617-218,814,620); deleting any one gives the same sequence. VCF-style (leftmost placement, unchanged base first): chr2-218814616-GC-G. GRCh37 (hg19) VCF-style: chr2-219679339-GC-G.
Other names: c.1339del (NM_000784.3); short protein forms H447fs.
Identifiers: ClinVar variation 3585669 (VCV003585669.2).